The following is an entry in ClinVar:

ClinVar aggregate classification (germline): Uncertain significance (1 of 4 stars; one submission).

Allele frequency attached by ClinVar (database versions not stated): gnomAD exomes 0.00003.
gnomAD v4.1: 49 of 1,613,690 alleles (0.003%); highest among the groups gnomAD compares: Non-Finnish European, 0.0042%; no homozygotes.

Submission:

Labcorp Genetics (formerly Invitae), Labcorp
Classification: Uncertain significance. Last evaluated: 2023-10-22. Review status: criteria provided, single submitter. Criteria: Invitae Variant Classification Sherloc (09022015). Collection method: clinical testing. Allele origin: germline.
Comment: This sequence change falls in intron 2 of the RPL23 gene. It does not directly change the encoded amino acid sequence of the RPL23 protein. It affects a nucleotide within the consensus splice site. This variant is present in population databases (no rsID available, gnomAD 0.002%). This variant has not been reported in the literature in individuals affected with RPL23-related conditions. Variants that disrupt the consensus splice site are a relatively common cause of aberrant splicing (PMID: 17576681, 9536098). Algorithms developed to predict the effect of sequence changes on RNA splicing suggest that this variant is not likely to affect RNA splicing. In summary, the available evidence is currently insufficient to determine the role of this variant in disease. Therefore, it has been classified as a Variant of Uncertain Significance.

Literature cited by the submitters: PubMed 17576681; PubMed 9536098.

NM_000978.4(RPL23):c.97+6G>A

Genes: RPL23 (ribosomal protein L23; minus strand), LOC126862551 (P300/CBP strongly-dependent group 1 enhancer GRCh37_chr17:37008921-37010120; plus strand). Cytogenetic location: 17q12.
Variant type: single nucleotide variant.
Coding change: c.97+6G>A on transcript NM_000978.4 (MANE Select); 6 bases into the intron after coding-DNA position 97, G replaced by A.
Molecular consequence: intron variant.
Genome position (GRCh38, 1-based): chr17:38,853,016, C>T on the plus strand (G>A on the coding strand, the complement: RPL23 is on the minus strand). VCF-style: chr17-38853016-C-T. GRCh37 (hg19) VCF-style: chr17-37009269-C-T.
Identifiers: ClinVar variation 2904041 (VCV002904041.3), dbSNP rs977656573, ClinGen allele CA290328731.
Genomic context (GRCh38, chr17:38,853,016, plus strand): 5'-GTCATTAGCCACAGGCCCATTGAGTGCTTTTAAAAGGGGGAGTATAGCAACGTGCAAAGA[C>T]CTCACCTGTGTTGTCAGCACAATTGATTACAGCTCCTACCGGAAGACCCAAGGAAATCCG-3'